The following is an entry in ClinVar:

ClinVar aggregate classification (germline): Likely pathogenic (1 of 4 stars; one submission).

Submission:

GeneDx
Classification: Likely pathogenic. Last evaluated: 2017-03-30. Review status: criteria provided, single submitter. Criteria: GeneDx Variant Classification (06012015). Collection method: clinical testing. Allele origin: germline. Affected: yes.
Comment: Although the F617L variant caused by the nucleotide substitution c.1851 C>A has not been published previously, F617L caused by the nucleotide substitution c.1849 T>C has been reported in an asymptomatic individual with a prolonged QT interval (Shigemizou et al., 2015). However, detailed clinical information and segregation data were not provided, and the pathogenicity of the c.1849 T>C variant has not been definitely determined. The F617L variant was not observed in approximately 6,500 individuals of European and African American ancestry in the NHLBI Exome Sequencing Project, indicating it is not a common benign variant in these populations. Although the F617L variant is a conservative amino acid substitution, which is not likely to impact secondary protein structure as these residues share similar properties, it occurs at a position that is conserved across species. Furthermore, in silico analysis predicts this variant is probably damaging to the protein structure/function. A missense variant in the same residue (F617V) and missense variants in nearby residues (A614V, L615F, Y616C, L622F) have been reported in the Human Gene Mutation Database in association with LQTS ( Biernacka et al., 2015; Stenson et al., 2014), supporting the functional importance of this region of the protein. Based on currently available evidence, F617L is a strong candidate for a pathogenic variant. However, the possibility it is a rare benign variant cannot be excluded.

NM_000238.4(KCNH2):c.1851C>A (p.Phe617Leu)

Gene: KCNH2 (potassium voltage-gated channel subfamily H member 2; minus strand). Cytogenetic location: 7q36.1.
Variant type: single nucleotide variant.
Coding change: c.1851C>A on transcript NM_000238.4 (MANE Select); coding-DNA position 1851, C replaced by A.
Protein change: p.Phe617Leu; replaces phenylalanine 617 with leucine.
Molecular consequence: missense variant.
Genome position (GRCh38, 1-based): chr7:150,951,542, G>T on the plus strand (C>A on the coding strand, the complement: KCNH2 is on the minus strand). VCF-style: chr7-150951542-G-T. GRCh37 (hg19) VCF-style: chr7-150648630-G-T.
Other names: c.831C>A, p.Phe277Leu (NM_001204798.2, NM_172057.3); c.1563C>A, p.Phe521Leu (NM_001406753.1, NM_001406756.1); c.1674C>A, p.Phe558Leu (NM_001406755.1); c.1551C>A, p.Phe517Leu (NM_001406757.1); c.1851C>A, p.Phe617Leu (NM_172056.3); short protein forms F277L, F617L, F517L, F558L, F521L.
Identifiers: ClinVar variation 392690 (VCV000392690.4), dbSNP rs1057524595, ClinGen allele CA16605169.